The following is an entry in ClinVar:

NM_024408.4(NOTCH2):c.6785C>G (p.Thr2262Ser)

Gene: NOTCH2 (notch receptor 2; minus strand). Cytogenetic location: 1p12.
Variant type: single nucleotide variant.
Coding change: c.6785C>G on transcript NM_024408.4 (MANE Select); coding-DNA position 6785, C replaced by G.
Protein change: p.Thr2262Ser; replaces threonine 2262 with serine.
Molecular consequence: missense variant.
Genome position (GRCh38, 1-based): chr1:119,915,937, G>C on the plus strand (C>G on the coding strand, the complement: NOTCH2 is on the minus strand). VCF-style: chr1-119915937-G-C. GRCh37 (hg19) VCF-style: chr1-120458560-G-C.
Other names: short protein forms T2262S.
Identifiers: ClinVar variation 2861896 (VCV002861896.3), dbSNP rs2526105273, ClinGen allele CA341875882.
Genomic context (GRCh38, chr1:119,915,937, plus strand): 5'-ATGCCAGGATGGGTGCCCTCAGCTGGAGCCAGGACCATACCAAACATCTCATTGTACTGG[G>C]TCTCATTCACCTCCATGCGGTTCATCCAATCTGCTGGGACTGGGACTGGATGGAGCCTAC-3'
Protein context (NP_077719.2, residues 2252-2272): DWMNRMEVNE[Thr2262Ser]QYNEMFGMVL

ClinVar aggregate classification (germline): Uncertain significance (1 of 4 stars; one submission).

Conditions:
Hajdu-Cheney syndrome (HJCYS). Also called: ACROOSTEOLYSIS WITH OSTEOPOROSIS AND CHANGES IN SKULL AND MANDIBLE; Acroosteolysis dominant type; SERPENTINE FIBULA-POLYCYSTIC KIDNEY SYNDROME. Identifiers: Orphanet 955, MedGen C0917715, MONDO:0007057, OMIM 102500.

Submission:

Labcorp Genetics (formerly Invitae), Labcorp
Classification: Uncertain significance for Hajdu-Cheney syndrome. Last evaluated: 2025-02-17. Review status: criteria provided, single submitter. Criteria: Invitae Variant Classification Sherloc (09022015). Collection method: clinical testing. Allele origin: germline.
Comment: This sequence change replaces threonine, which is neutral and polar, with serine, which is neutral and polar, at codon 2262 of the NOTCH2 protein (p.Thr2262Ser). This variant is not present in population databases (gnomAD no frequency). This variant has not been reported in the literature in individuals affected with NOTCH2-related conditions. ClinVar contains an entry for this variant (Variation ID: 2861896). Invitae Evidence Modeling of protein sequence and biophysical properties (such as structural, functional, and spatial information, amino acid conservation, physicochemical variation, residue mobility, and thermodynamic stability) indicates that this missense variant is not expected to disrupt NOTCH2 protein function with a negative predictive value of 80%. In summary, the available evidence is currently insufficient to determine the role of this variant in disease. Therefore, it has been classified as a Variant of Uncertain Significance.